The following is an entry in ClinVar:

NM_004006.3(DMD):c.503C>A (p.Ala168Asp)

Gene: DMD (dystrophin; minus strand). Cytogenetic location: Xp21.1.
Variant type: single nucleotide variant.
Coding change: c.503C>A on transcript NM_004006.3 (MANE Select); coding-DNA position 503, C replaced by A.
Protein change: p.Ala168Asp; replaces alanine 168 with aspartic acid.
Molecular consequence: missense variant.
Genome position (GRCh38, 1-based): chrX:32,816,495, G>T on the plus strand (C>A on the coding strand, the complement: DMD is on the minus strand). VCF-style: chrX-32816495-G-T. GRCh37 (hg19) VCF-style: chrX-32834612-G-T.
Other names: c.479C>A, p.Ala160Asp (NM_000109.4); c.491C>A, p.Ala164Asp (NM_004009.3); c.134C>A, p.Ala45Asp (NM_004010.3); short protein forms A168D, A45D, A164D, A160D.
Identifiers: ClinVar variation 11230 (VCV000011230.4), dbSNP rs128626236, ClinGen allele CA255758.

ClinVar aggregate classification (germline): Uncertain significance. Review status: criteria provided, single submitter (1 of 4 stars). 2 submissions from 2 submitters: Uncertain significance (1). 1 of the submissions does not count toward it. Last evaluated 2025-07-16.

Conditions:
Becker muscular dystrophy (BMD). Also called: MUSCULAR DYSTROPHY, PSEUDOHYPERTROPHIC PROGRESSIVE, BECKER TYPE; Becker Muscular Dystrophy (BMD). Identifiers: Orphanet 98895, MedGen C0917713, MONDO:0010311, OMIM 300376.
Duchenne muscular dystrophy (DMD). Also called: MUSCULAR DYSTROPHY, PSEUDOHYPERTROPHIC PROGRESSIVE, DUCHENNE TYPE; Duchenne Muscular Dystrophy (DMD). Identifiers: Orphanet 98896, MedGen C0013264, MONDO:0010679, OMIM 310200.

Submissions (2):

Labcorp Genetics (formerly Invitae), Labcorp
Classification: Uncertain significance for Duchenne muscular dystrophy. Last evaluated: 2025-07-16. Review status: criteria provided, single submitter. Criteria: Invitae Variant Classification Sherloc (09022015). Collection method: clinical testing. Allele origin: germline.
Comment: This sequence change replaces alanine, which is neutral and non-polar, with aspartic acid, which is acidic and polar, at codon 168 of the DMD protein (p.Ala168Asp). This variant is not present in population databases (gnomAD no frequency). This missense change has been observed in individual(s) with Becker muscular dystrophy (PMID: 7951253). ClinVar contains an entry for this variant (Variation ID: 11230). Invitae Evidence Modeling of protein sequence and biophysical properties (such as structural, functional, and spatial information, amino acid conservation, physicochemical variation, residue mobility, and thermodynamic stability) has been performed for this missense variant. However, the output from this modeling did not meet the statistical confidence thresholds required to predict the impact of this variant on DMD protein function. Experimental studies have shown that this missense change affects DMD function (PMID: 20457930, 20696926). In summary, the available evidence is currently insufficient to determine the role of this variant in disease. Therefore, it has been classified as a Variant of Uncertain Significance.

OMIM
Classification: Pathogenic for BECKER MUSCULAR DYSTROPHY. Last evaluated: 1994-01-01. Review status: no assertion criteria provided. Collection method: literature only. Allele origin: germline. Not counted in ClinVar's aggregate classification.

Literature cited by the submitters: PubMed 7951253 (cited by Labcorp Genetics (formerly Invitae), Labcorp and OMIM); PubMed 20457930 (cited by Labcorp Genetics (formerly Invitae), Labcorp); PubMed 20696926 (cited by Labcorp Genetics (formerly Invitae), Labcorp).